The following is an entry in ClinVar:

ClinVar aggregate classification (germline): Pathogenic. Review status: reviewed by expert panel (3 of 4 stars). 2 submissions from 2 submitters: Pathogenic (1). 1 of the submissions does not count toward it. Last evaluated 2016-10-18.

Conditions:
Breast-ovarian cancer, familial, susceptibility to, 2 (BROVCA2). Also called: BRCA2 Hereditary Breast and Ovarian Cancer. Identifiers: Orphanet 145, MedGen C2675520, MONDO:0012933, OMIM 612555. Disease mechanism: loss of function.

Submissions (2):

Evidence-based Network for the Interpretation of Germline Mutant Alleles (ENIGMA)
Classification: Pathogenic for Breast-ovarian cancer, familial, susceptibility to, 2. Last evaluated: 2016-10-18. Review status: reviewed by expert panel. Criteria: ENIGMA BRCA1/2 Classification Criteria (2015). Collection method: curation. Allele origin: germline.
Comment: Variant allele predicted to encode a truncated non-functional protein.

Consortium of Investigators of Modifiers of BRCA1/2 (CIMBA), c/o University of Cambridge
Classification: Pathogenic for Breast-ovarian cancer, familial, susceptibility to, 2. Last evaluated: 2015-10-02. Review status: criteria provided, single submitter. Criteria: CIMBA Mutation Classification guidelines May 2016. Collection method: clinical testing. Allele origin: germline. Not counted in ClinVar's aggregate classification.

NM_000059.4(BRCA2):c.5750C>A (p.Ser1917Ter)

Gene: BRCA2 (BRCA2 DNA repair associated; plus strand). Cytogenetic location: 13q13.1.
Variant type: single nucleotide variant.
Coding change: c.5750C>A on transcript NM_000059.4 (MANE Select); coding-DNA position 5750, C replaced by A.
Protein change: p.Ser1917Ter; replaces serine 1917 with a stop codon.
Molecular consequence: nonsense.
Genome position (GRCh38, 1-based): chr13:32,340,105, C>A. VCF-style: chr13-32340105-C-A. GRCh37 (hg19) VCF-style: chr13-32914242-C-A.
Other names: 5978C>A; short protein forms S1917*.
Identifiers: ClinVar variation 266894 (VCV000266894.5), dbSNP rs886040609, ClinGen allele CA10589328.
Genomic context (GRCh38, chr13:32,340,105, plus strand): 5'-TGGATGATTCAGAGGATATTCTTCATAACTCTCTAGATAATGATGAATGTAGCACGCATT[C>A]ACATAAGGTTTTTGCTGACATTCAGAGTGAAGAAATTTTACAACATAACCAAAATATGTC-3'